The following is an entry in ClinVar:

NM_001194.4(HCN2):c.946_950delinsATCTT (p.Val316_Tyr317delinsIlePhe)

Genes: HCN2 (hyperpolarization activated cyclic nucleotide gated potassium and sodium channel 2; plus strand), LOC129391015 (MPRA-validated peak3211 silencer; plus strand). Cytogenetic location: 19p13.3.
Variant type: Indel.
Coding change: c.946_950delinsATCTT on transcript NM_001194.4 (MANE Select); coding-DNA positions 946 to 950, GTCTA replaced by ATCTT.
Protein change: p.Val316_Tyr317delinsIlePhe.
Molecular consequence: missense variant.
Genome position (GRCh38, 1-based): chr19:603,857-603,861, GTCTA replaced by ATCTT. VCF-style: chr19-603857-GTCTA-ATCTT. GRCh37 (hg19) VCF-style: chr19-603857-GTCTA-ATCTT.
Identifiers: ClinVar variation 4087888 (VCV004087888.2).

ClinVar aggregate classification (germline): Uncertain significance (1 of 4 stars; one submission).

Submission:

GeneDx
Classification: Uncertain significance. Last evaluated: 2025-10-03. Review status: criteria provided, single submitter. Criteria: GeneDx Variant Classification Process June 2021. Collection method: clinical testing. Allele origin: germline.
Comment: Not observed at significant frequency in large population cohorts (gnomAD); In silico analysis suggests that this variant does not alter protein structure/function; Has not been previously published as pathogenic or benign to our knowledge